The following is an entry in ClinVar:

ClinVar aggregate classification (germline): Uncertain significance (1 of 4 stars; one submission).

Submission:

Women's Health and Genetics/Laboratory Corporation of America, LabCorp
Classification: Uncertain significance. Last evaluated: 2023-01-26. Review status: criteria provided, single submitter. Criteria: LabCorp Variant Classification Summary - May 2015. Collection method: clinical testing. Allele origin: germline.
Comment: Variant summary: The variant identified by MLPA or other technology involves the deletion of exons 6-24 in the DIAPH3 gene. A presumed nomenclature of c.(626+1_627-1)_(3027+1_3028-1)del has been designated for the purposes of this classification. Although exact breakpoints of this deletion are not known, it is expected to result in a frameshift in the DIAPH3 gene. The variant was absent in 21694 control chromosomes in the gnomAD database (structural variants data set). The available data on variant occurrences in the general population are insufficient to allow any conclusion about variant significance. To our knowledge, no occurrence of c.(626+1_627-1)_(3027+1_3028-1)del in individuals affected with Autosomal Dominant Auditory Neuropathy 1 and no experimental evidence demonstrating its impact on protein function have been reported. No clinical diagnostic laboratories have submitted clinical-significance assessments for this variant to ClinVar after 2014. Based on the evidence outlined above, the variant was classified as uncertain significance.

NC_000013.10:g.(60385058_60407240)_(60590280_60616823)del

Gene: DIAPH3 (diaphanous related formin 3; minus strand). Cytogenetic location: 13q21.2.
Variant type: Deletion.
Identifiers: ClinVar variation 2429170 (VCV002429170.3).